The following is an entry in ClinVar:

ClinVar aggregate classification (germline): Uncertain significance (1 of 4 stars; one submission).

gnomAD v4.1: 23 of 1,510,478 alleles (0.0015%); highest among the groups gnomAD compares: South Asian, 0.0049%; no homozygotes.

Submission:

Labcorp Genetics (formerly Invitae), Labcorp
Classification: Uncertain significance. Last evaluated: 2022-01-11. Review status: criteria provided, single submitter. Criteria: Invitae Variant Classification Sherloc (09022015). Collection method: clinical testing. Allele origin: germline.
Comment: This sequence change replaces proline, which is neutral and non-polar, with alanine, which is neutral and non-polar, at codon 395 of the PRDM13 protein (p.Pro395Ala). The frequency data for this variant in the population databases is considered unreliable, as metrics indicate poor data quality at this position in the gnomAD database. This variant has not been reported in the literature in individuals affected with PRDM13-related conditions. Algorithms developed to predict the effect of missense changes on protein structure and function (SIFT, PolyPhen-2, Align-GVGD) all suggest that this variant is likely to be tolerated. In summary, the available evidence is currently insufficient to determine the role of this variant in disease. Therefore, it has been classified as a Variant of Uncertain Significance.

NM_021620.4(PRDM13):c.1183C>G (p.Pro395Ala)

Gene: PRDM13 (PR/SET domain 13; plus strand). Cytogenetic location: 6q16.2.
Variant type: single nucleotide variant.
Coding change: c.1183C>G on transcript NM_021620.4 (MANE Select); coding-DNA position 1183, C replaced by G.
Protein change: p.Pro395Ala; replaces proline 395 with alanine.
Molecular consequence: missense variant.
Genome position (GRCh38, 1-based): chr6:99,613,818, C>G. VCF-style: chr6-99613818-C-G. GRCh37 (hg19) VCF-style: chr6-100061694-C-G.
Other names: short protein forms P395A.
Identifiers: ClinVar variation 1486178 (VCV001486178.6), dbSNP rs1176630459, ClinGen allele CA365117877.